The following is an entry in ClinVar:

NM_014975.3(MAST1):c.3491C>G (p.Pro1164Arg)

Gene: MAST1 (microtubule associated serine/threonine kinase 1; plus strand). Cytogenetic location: 19p13.13.
Variant type: single nucleotide variant.
Coding change: c.3491C>G on transcript NM_014975.3 (MANE Select); coding-DNA position 3491, C replaced by G.
Protein change: p.Pro1164Arg; replaces proline 1164 with arginine.
Molecular consequence: missense variant.
Genome position (GRCh38, 1-based): chr19:12,873,648, C>G. VCF-style: chr19-12873648-C-G. GRCh37 (hg19) VCF-style: chr19-12984462-C-G.
Other names: short protein forms P1164R.
Identifiers: ClinVar variation 3026779 (VCV003026779.22), dbSNP rs2512544742, ClinGen allele CA404287848.
Genomic context (GRCh38, chr19:12,873,648, plus strand): 5'-TTCACCTCCTGTCTCCCGCAGGCGCCTCATCCCAGAGCAGCTCCCCAGCCTCGAGCACGC[C>G]CAACTCGCCTGCGTCGTCGGCGTCGCACCACATTCGGCCCAGCACGCTGCACGGACTGTC-3'
Protein context (NP_055790.1, residues 1154-1174): SQSSSPASST[Pro1164Arg]NSPASSASHH

ClinVar aggregate classification (germline): Uncertain significance (1 of 4 stars; one submission).

Submission:

CeGaT Center for Human Genetics Tuebingen
Classification: Uncertain significance. Last evaluated: 2023-12-01. Review status: criteria provided, single submitter. Criteria: CeGaT Center For Human Genetics Tuebingen Variant Classification Criteria Version 2. Collection method: clinical testing. Allele origin: germline. Affected: yes. Observed: 1 variant allele.
Comment: MAST1: PM2